The following is an entry in ClinVar:

NM_004655.4(AXIN2):c.27C>T (p.Cys9=)

Gene: AXIN2 (axin 2; minus strand). Cytogenetic location: 17q24.1.
Variant type: single nucleotide variant.
Coding change: c.27C>T on transcript NM_004655.4 (MANE Select); coding-DNA position 27, C replaced by T.
Protein change: p.Cys9=; no amino-acid change (cysteine 9 retained).
Molecular consequence: synonymous variant.
Genome position (GRCh38, 1-based): chr17:65,558,594, G>A on the plus strand (C>T on the coding strand, the complement: AXIN2 is on the minus strand). VCF-style: chr17-65558594-G-A. GRCh37 (hg19) VCF-style: chr17-63554712-G-A.
Other names: c.27C>T, p.Cys9= (NM_001363813.1).
Identifiers: ClinVar variation 1631969 (VCV001631969.9), dbSNP rs2144592246, ClinGen allele CA501691741.

ClinVar aggregate classification (germline): Benign/Likely benign. Review status: criteria provided, multiple submitters, no conflicts (2 of 4 stars). 2 submissions from 2 submitters: Benign (1); Likely benign (1). Last evaluated 2025-04-14.

Conditions:
Oligodontia-cancer predisposition syndrome. Also called: TOOTH AGENESIS-COLORECTAL CANCER SYNDROME. Identifiers: Orphanet 300576, MedGen C1837750, MONDO:0012075, OMIM 608615. Disease mechanism: loss of function.

Submissions (2):

Labcorp Genetics (formerly Invitae), Labcorp
Classification: Likely benign for Oligodontia-cancer predisposition syndrome. Last evaluated: 2025-04-14. Review status: criteria provided, single submitter. Criteria: Invitae Variant Classification Sherloc (09022015). Collection method: clinical testing. Allele origin: germline.

Myriad Genetics, Inc.
Classification: Benign for Oligodontia-cancer predisposition syndrome. Last evaluated: 2024-06-25. Review status: criteria provided, single submitter. Criteria: Myriad Autosomal Dominant, Autosomal Recessive and X-Linked Classification Criteria (2023). Collection method: clinical testing. Allele origin: unknown.
Comment: This variant is considered benign. This variant is a silent/synonymous amino acid change and it is not expected to impact splicing.